The following is an entry in ClinVar:

NM_199242.3(UNC13D):c.1212C>G (p.Thr404=)

Gene: UNC13D (unc-13 homolog D; minus strand). Cytogenetic location: 17q25.1.
Variant type: single nucleotide variant.
Coding change: c.1212C>G on transcript NM_199242.3 (MANE Select); coding-DNA position 1212, C replaced by G.
Protein change: p.Thr404=; no amino-acid change (threonine 404 retained).
Molecular consequence: synonymous variant.
Genome position (GRCh38, 1-based): chr17:75,836,658, G>C on the plus strand (C>G on the coding strand, the complement: UNC13D is on the minus strand). VCF-style: chr17-75836658-G-C. GRCh37 (hg19) VCF-style: chr17-73832739-G-C.
Identifiers: ClinVar variation 729475 (VCV000729475.16), dbSNP rs201727463, ClinGen allele CA8773077.

ClinVar aggregate classification (germline): Likely benign. Review status: criteria provided, multiple submitters, no conflicts (2 of 4 stars). 3 submissions from 3 submitters: Likely benign (2). 1 of the submissions does not count toward it. Last evaluated 2026-01-19.

Conditions:
Familial hemophagocytic lymphohistiocytosis 3 (FHL3). Also called: UNC13D-Related Familial Hemophagocytic Lymphohistiocytosis (UNC13D-fHLH). Identifiers: Orphanet 540, MedGen C1837174, MONDO:0012146, OMIM 608898.
UNC13D-related disorder. Also called: UNC13D-related condition.

Allele frequency attached by ClinVar (database versions not stated): gnomAD exomes 0.00014 and 0.00024; 1000 Genomes Project 30x 0.00016; TOPMed 0.00016; gnomAD 0.00017; 1000 Genomes Project 0.00020; ExAC 0.00038.
gnomAD v4.1: 249 of 1,613,780 alleles (0.015%); highest among the groups gnomAD compares: Non-Finnish European, 0.016%; no homozygotes.

Submissions (3):

Labcorp Genetics (formerly Invitae), Labcorp
Classification: Likely benign for Familial hemophagocytic lymphohistiocytosis 3. Last evaluated: 2026-01-19. Review status: criteria provided, single submitter. Criteria: Invitae Variant Classification Sherloc (09022015). Collection method: clinical testing. Allele origin: germline.

Genetic Services Laboratory, University of Chicago
Classification: Likely benign. Last evaluated: 2021-04-09. Review status: criteria provided, single submitter. Criteria: ACMG Guidelines, 2015. Collection method: clinical testing. Allele origin: germline. Affected: no.

PreventionGenetics, part of Exact Sciences
Classification: Likely benign for UNC13D-related condition. Last evaluated: 2024-09-12. Review status: no assertion criteria provided. Collection method: clinical testing. Allele origin: germline. Not counted in ClinVar's aggregate classification.
Comment: This variant is classified as likely benign based on ACMG/AMP sequence variant interpretation guidelines (Richards et al. 2015 PMID: 25741868, with internal and published modifications).